The following is an entry in ClinVar:

ClinVar aggregate classification (germline): Likely benign. Review status: criteria provided, multiple submitters, no conflicts (2 of 4 stars). 3 submissions from 3 submitters: Likely benign (3). Last evaluated 2026-01-07.

Allele frequency attached by ClinVar (database versions not stated): TOPMed 0.00002; gnomAD exomes 0.00003 and 0.00013; ESP Exome Variant Server 0.00009; ExAC 0.00014.
gnomAD v4.1: 36 of 1,211,718 alleles (0.003%); highest among the groups gnomAD compares: Admixed American, 0.056%; no homozygotes.

Submissions (3):

Labcorp Genetics (formerly Invitae), Labcorp
Classification: Likely benign. Last evaluated: 2026-01-07. Review status: criteria provided, single submitter. Criteria: Invitae Variant Classification Sherloc (09022015). Collection method: clinical testing. Allele origin: germline.

Women's Health and Genetics/Laboratory Corporation of America, LabCorp
Classification: Likely benign. Last evaluated: 2025-07-17. Review status: criteria provided, single submitter. Criteria: LabCorp Variant Classification Summary - May 2015. Collection method: clinical testing. Allele origin: germline.
Comment: Variant summary: NEXMIF c.2951A>G (p.Asn984Ser) results in a conservative amino acid change in the encoded protein sequence. Algorithms developed to predict the effect of missense changes on protein structure and function all suggest that this variant is likely to be tolerated. The variant allele was found at a frequency of 3e-05 in 1211718 control chromosomes, including 7 hemizygotes. To our knowledge, no occurrence of c.2951A>G in individuals affected with Intellectual Developmental Disorder, X-Linked 98 and no experimental evidence demonstrating its impact on protein function have been reported. ClinVar contains an entry for this variant (Variation ID: 474067). Based on the evidence outlined above, the variant was classified as likely benign.

Ambry Genetics
Classification: Likely benign. Last evaluated: 2024-07-27. Review status: criteria provided, single submitter. Criteria: Ambry Variant Classification Scheme 2023. Collection method: clinical testing. Allele origin: germline.

NM_001008537.3(NEXMIF):c.2951A>G (p.Asn984Ser)

Gene: NEXMIF (neurite extension and migration factor; minus strand). Cytogenetic location: Xq13.3.
Variant type: single nucleotide variant.
Coding change: c.2951A>G on transcript NM_001008537.3 (MANE Select); coding-DNA position 2951, A replaced by G.
Protein change: p.Asn984Ser; replaces asparagine 984 with serine.
Molecular consequence: missense variant.
Genome position (GRCh38, 1-based): chrX:74,741,606, T>C on the plus strand (A>G on the coding strand, the complement: NEXMIF is on the minus strand). VCF-style: chrX-74741606-T-C. GRCh37 (hg19) VCF-style: chrX-73961441-T-C.
Other names: short protein forms N984S.
Identifiers: ClinVar variation 474067 (VCV000474067.16), dbSNP rs375623451, ClinGen allele CA10454989.